The following is an entry in ClinVar:

ClinVar aggregate classification (germline): Conflicting classifications of pathogenicity. Review status: criteria provided, conflicting classifications (1 of 4 stars). 9 submissions from 9 submitters: Uncertain significance (2); Likely benign (5). 2 of the submissions do not count toward it. Last evaluated 2026-01-21.

Conditions:
ZNF469-related disorder. Also called: ZNF469-related condition.
Cardiovascular phenotype. Identifiers: MedGen CN230736.
Ehlers-Danlos syndrome (EDS). Identifiers: Orphanet 98249, MedGen C0013720, MONDO:0020066.
Keratoconus 1 (KTCN1). Identifiers: MedGen C1835677, MONDO:0007851, OMIM 148300.

Allele frequency attached by ClinVar (database versions not stated): gnomAD 0.00021 and 0.00022; TOPMed 0.00021; ExAC 0.00028; gnomAD exomes 0.00031 and 0.00044.
gnomAD v4.1: 635 of 1,549,524 alleles (0.041%); highest among the groups gnomAD compares: Non-Finnish European, 0.052%; no homozygotes.

Submissions (9):

Labcorp Genetics (formerly Invitae), Labcorp
Classification: Likely benign. Last evaluated: 2026-01-21. Review status: criteria provided, single submitter. Criteria: Invitae Variant Classification Sherloc (09022015). Collection method: clinical testing. Allele origin: germline.

Women's Health and Genetics/Laboratory Corporation of America, LabCorp
Classification: Likely benign. Last evaluated: 2025-03-04. Review status: criteria provided, single submitter. Criteria: LabCorp Variant Classification Summary - May 2015. Collection method: clinical testing. Allele origin: germline.

Mayo Clinic Laboratories, Mayo Clinic
Classification: Likely benign. Last evaluated: 2024-10-16. Review status: criteria provided, single submitter. Criteria: ACMG Guidelines, 2015. Collection method: clinical testing. Allele origin: germline. Observed: 4 variant alleles.
Comment: BS1, BP7

Ambry Genetics
Classification: Likely benign for Cardiovascular phenotype. Last evaluated: 2020-09-17. Review status: criteria provided, single submitter. Criteria: Ambry Variant Classification Scheme 2023. Collection method: clinical testing. Allele origin: germline.

Genome Diagnostics Laboratory, The Hospital for Sick Children
Classification: Uncertain significance for Ehlers-Danlos syndrome. Last evaluated: 2020-04-01. Review status: criteria provided, single submitter. Criteria: ACMG Guidelines, 2015. Collection method: clinical testing. Allele origin: germline.

GeneDx
Classification: Likely benign. Last evaluated: 2019-06-20. Review status: criteria provided, single submitter. Criteria: GeneDx Variant Classification Process June 2021. Collection method: clinical testing. Allele origin: germline. Affected: yes.

CeGaT Center for Human Genetics Tuebingen
Classification: Uncertain significance. Last evaluated: 2016-06-01. Review status: criteria provided, single submitter. Criteria: CeGaT Center For Human Genetics Tuebingen Variant Classification Criteria Version 2. Collection method: clinical testing. Allele origin: germline. Affected: yes. Observed: 1 variant allele.

PreventionGenetics, part of Exact Sciences
Classification: Likely benign for ZNF469-related condition. Last evaluated: 2023-10-11. Review status: no assertion criteria provided. Collection method: clinical testing. Allele origin: germline. Not counted in ClinVar's aggregate classification.
Comment: This variant is classified as likely benign based on ACMG/AMP sequence variant interpretation guidelines (Richards et al. 2015 PMID: 25741868, with internal and published modifications).

Willoughby Group, Queen's University Belfast
Classification: Benign for Keratoconus 1. Review status: no assertion criteria provided. Collection method: not provided. Allele origin: germline. Not counted in ClinVar's aggregate classification.
ClinVar note: Converted during submission from non-pathogenic to Benign.

NM_001367624.2(ZNF469):c.1020C>T (p.Gly340=)

Gene: ZNF469 (zinc finger protein 469; plus strand). Cytogenetic location: 16q24.2.
Variant type: single nucleotide variant.
Coding change: c.1020C>T on transcript NM_001367624.2 (MANE Select); coding-DNA position 1020, C replaced by T.
Protein change: p.Gly340=; no amino-acid change (glycine 340 retained).
Molecular consequence: synonymous variant.
Genome position (GRCh38, 1-based): chr16:88,428,490, C>T. VCF-style: chr16-88428490-C-T. GRCh37 (hg19) VCF-style: chr16-88494898-C-T.
Other names: NM_001127464.1:c.1020C>T; NM_001127464.2:c.1020C>T; p.Gly340=.
Identifiers: ClinVar variation 126915 (VCV000126915.62), dbSNP rs273585633, ClinGen allele CA151269.